The following is an entry in ClinVar:

ClinVar aggregate classification (germline): Uncertain significance (1 of 4 stars; one submission).

Submission:

GeneDx
Classification: Uncertain significance. Last evaluated: 2026-02-11. Review status: criteria provided, single submitter. Criteria: GeneDx Variant Classification Process June 2021. Collection method: clinical testing. Allele origin: germline.
Comment: Not observed at significant frequency in large population cohorts (gnomAD); In silico analysis supports that this missense variant has a deleterious effect on protein structure/function; Has not been previously published as pathogenic or benign to our knowledge; Occurs in the triple helical domain at the X position in the canonical Gly-X-Y repeat; although this variant may have an effect on normal protein folding and function, missense substitution at the X position is not a common mechanism of disease (PMID: 22696272); This variant is associated with the following publications: (PMID: 22696272)

NM_000093.5(COL5A1):c.4567C>T (p.Pro1523Ser)

Genes: COL5A1 (collagen type V alpha 1 chain; plus strand), LOC101448202 (uncharacterized LOC101448202; minus strand). Cytogenetic location: 9q34.3.
Variant type: single nucleotide variant.
Coding change: c.4567C>T on transcript NM_000093.5 (MANE Select); coding-DNA position 4567, C replaced by T.
Protein change: p.Pro1523Ser; replaces proline 1523 with serine.
Molecular consequence: missense variant.
Genome position (GRCh38, 1-based): chr9:134,822,109, C>T. VCF-style: chr9-134822109-C-T. GRCh37 (hg19) VCF-style: chr9-137713955-C-T.
Other names: c.4567C>T, p.Pro1523Ser (NM_001278074.1); short protein forms P1523S.
Identifiers: ClinVar variation 4976209 (VCV004976209.1).